The following is an entry in ClinVar:

ClinVar aggregate classification (germline): Likely benign. Review status: criteria provided, multiple submitters, no conflicts (2 of 4 stars). 2 submissions from 2 submitters: Likely benign (2). Last evaluated 2025-03-04.

Conditions:
CACNA1F-related disorder. Also called: CACNA1F-related condition.

Submissions (2):

PreventionGenetics, part of Exact Sciences
Classification: Likely benign for CACNA1F-related condition. Last evaluated: 2025-03-04. Review status: criteria provided, single submitter. Criteria: ACMG Guidelines, 2015. Collection method: clinical testing. Allele origin: germline.
Comment: This variant is classified as likely benign based on ACMG/AMP sequence variant interpretation guidelines (Richards et al. 2015 PMID: 25741868, with internal and published modifications).

Blueprint Genetics
Classification: Likely benign. Last evaluated: 2020-01-31. Review status: criteria provided, single submitter. Criteria: ACMG Guidelines, 2015. Collection method: clinical testing. Allele origin: germline.

NM_001256789.3(CACNA1F):c.3480C>T (p.Arg1160=)

Gene: CACNA1F (calcium voltage-gated channel subunit alpha1 F; minus strand). Cytogenetic location: Xp11.23.
Variant type: single nucleotide variant.
Coding change: c.3480C>T on transcript NM_001256789.3 (MANE Select); coding-DNA position 3480, C replaced by T.
Protein change: p.Arg1160=; no amino-acid change (arginine 1160 retained).
Molecular consequence: synonymous variant.
Genome position (GRCh38, 1-based): chrX:49,215,203, G>A on the plus strand (C>T on the coding strand, the complement: CACNA1F is on the minus strand). VCF-style: chrX-49215203-G-A. GRCh37 (hg19) VCF-style: chrX-49071663-G-A.
Other names: c.3318C>T, p.Arg1106= (NM_001256790.3); c.3513C>T, p.Arg1171= (NM_005183.4); c.3513C>T (NM_005183.3).
Identifiers: ClinVar variation 4950558 (VCV004950558.2).